The following is an entry in ClinVar:

ClinVar aggregate classification (germline): Uncertain significance (1 of 4 stars; one submission).

Conditions:
Aortic aneurysm, familial thoracic 7 (AAT7). Also called: AORTIC DISSECTION, FAMILIAL, WITH OR WITHOUT AORTIC ANEURYSM. Identifiers: MedGen C3151077, MONDO:0013418, OMIM 613780.

Allele frequency attached by ClinVar (database versions not stated): gnomAD exomes below 0.00001; TOPMed 0.00001.
gnomAD v4.1: 1 of 1,614,172 alleles (0.000062%); highest among the groups gnomAD compares: Non-Finnish European, 0.000085%; no homozygotes.

Submission:

Labcorp Genetics (formerly Invitae), Labcorp
Classification: Uncertain significance for Aortic aneurysm, familial thoracic 7. Last evaluated: 2022-04-11. Review status: criteria provided, single submitter. Criteria: Invitae Variant Classification Sherloc (09022015). Collection method: clinical testing. Allele origin: germline.
Comment: This sequence change replaces isoleucine, which is neutral and non-polar, with valine, which is neutral and non-polar, at codon 220 of the MYLK protein (p.Ile220Val). This variant is not present in population databases (gnomAD no frequency). This variant has not been reported in the literature in individuals affected with MYLK-related conditions. Advanced modeling of protein sequence and biophysical properties (such as structural, functional, and spatial information, amino acid conservation, physicochemical variation, residue mobility, and thermodynamic stability) performed at Invitae indicates that this missense variant is not expected to disrupt MYLK protein function. In summary, the available evidence is currently insufficient to determine the role of this variant in disease. Therefore, it has been classified as a Variant of Uncertain Significance.

NM_053025.4(MYLK):c.658A>G (p.Ile220Val)

Gene: MYLK (myosin light chain kinase; minus strand). Cytogenetic location: 3q21.1.
Variant type: single nucleotide variant.
Coding change: c.658A>G on transcript NM_053025.4 (MANE Select); coding-DNA position 658, A replaced by G.
Protein change: p.Ile220Val; replaces isoleucine 220 with valine.
Molecular consequence: missense variant.
Genome position (GRCh38, 1-based): chr3:123,737,474, T>C on the plus strand (A>G on the coding strand, the complement: MYLK is on the minus strand). VCF-style: chr3-123737474-T-C. GRCh37 (hg19) VCF-style: chr3-123456321-T-C.
Other names: c.130A>G, p.Ile44Val (NM_001321309.2); c.658A>G, p.Ile220Val (NM_053026.4, NM_053027.4, NM_053028.4); short protein forms I220V, I44V.
Identifiers: ClinVar variation 2039325 (VCV002039325.4), dbSNP rs2062716626, ClinGen allele CA354240833.
Genomic context (GRCh38, chr3:123,737,474, plus strand): 5'-CCGACCCGTTCACCACCAGGCACGTGTACACTCCCACGTCATCTTGGTTGACTCCATGGA[T>C]TTCCAGAACCTGCATGCCGTTCTTCTCAGACACAGACACACGGGCACTCGGCTGCAGTGG-3'
Protein context (NP_444253.3, residues 210-230): SEKNGMQVLE[Ile220Val]HGVNQDDVGV